The following is an entry in ClinVar:

NM_170601.5(SIAE):c.1240C>A (p.Leu414Ile)

Gene: SIAE (sialic acid acetylesterase; minus strand). Cytogenetic location: 11q24.2.
Variant type: single nucleotide variant.
Coding change: c.1240C>A on transcript NM_170601.5 (MANE Select); coding-DNA position 1240, C replaced by A.
Protein change: p.Leu414Ile; replaces leucine 414 with isoleucine.
Molecular consequence: missense variant.
Genome position (GRCh38, 1-based): chr11:124,638,622, G>T on the plus strand (C>A on the coding strand, the complement: SIAE is on the minus strand). VCF-style: chr11-124638622-G-T. GRCh37 (hg19) VCF-style: chr11-124508518-G-T.
Other names: c.1135C>A, p.Leu379Ile (NM_001199922.2); short protein forms L414I, L379I.
Identifiers: ClinVar variation 2191497 (VCV002191497.4), dbSNP rs761097909, ClinGen allele CA6341247.
Genomic context (GRCh38, chr11:124,638,622, plus strand): 5'-TTTTCTGCACCTGGATTTGCTGGTAATATGTGAGATTGAGCAGCCCCTTGTGAGCCAAGA[G>T]TTCTATCTTCTCAGGCAGTGGTCCTTCAAAGGTCAAATTCTTCTCACCATAAGCCAGAGC-3'
Protein context (NP_733746.1, residues 404-424): FEGPLPEKIE[Leu414Ile]LAHKGLLNLT

ClinVar aggregate classification (germline): Uncertain significance (1 of 4 stars; one submission).

gnomAD v4.1: 5 of 1,614,034 alleles (0.00031%); highest among the groups gnomAD compares: Middle Eastern, 0.033%; no homozygotes.

Submission:

Labcorp Genetics (formerly Invitae), Labcorp
Classification: Uncertain significance. Last evaluated: 2023-06-16. Review status: criteria provided, single submitter. Criteria: Invitae Variant Classification Sherloc (09022015). Collection method: clinical testing. Allele origin: germline.
Comment: This sequence change replaces leucine, which is neutral and non-polar, with isoleucine, which is neutral and non-polar, at codon 414 of the SIAE protein (p.Leu414Ile). This variant is present in population databases (rs761097909, gnomAD 0.01%). This variant has not been reported in the literature in individuals affected with SIAE-related conditions. ClinVar contains an entry for this variant (Variation ID: 2191497). An algorithm developed to predict the effect of missense changes on protein structure and function (PolyPhen-2) suggests that this variant is likely to be tolerated. In summary, the available evidence is currently insufficient to determine the role of this variant in disease. Therefore, it has been classified as a Variant of Uncertain Significance.